The following is an entry in ClinVar:

ClinVar aggregate classification (germline): Likely benign. Review status: criteria provided, multiple submitters, no conflicts (2 of 4 stars). 2 submissions from 2 submitters: Likely benign (2). Last evaluated 2025-03-31.

Conditions:
NKX2-5-related disorder. Also called: NKX2-5-related condition.
Cardiovascular phenotype. Identifiers: MedGen CN230736.

Submissions (2):

PreventionGenetics, part of Exact Sciences
Classification: Likely benign for NKX2-5-related condition. Last evaluated: 2025-03-31. Review status: criteria provided, single submitter. Criteria: ACMG Guidelines, 2015. Collection method: clinical testing. Allele origin: germline.
Comment: This variant is classified as likely benign based on ACMG/AMP sequence variant interpretation guidelines (Richards et al. 2015 PMID: 25741868, with internal and published modifications).

Ambry Genetics
Classification: Likely benign for Cardiovascular phenotype. Last evaluated: 2024-10-21. Review status: criteria provided, single submitter. Criteria: Ambry Variant Classification Scheme 2023. Collection method: clinical testing. Allele origin: germline.

NM_004387.4(NKX2-5):c.738T>C (p.Asn246=)

Gene: NKX2-5 (NK2 homeobox 5; minus strand). Cytogenetic location: 5q35.1.
Variant type: single nucleotide variant.
Coding change: c.738T>C on transcript NM_004387.4 (MANE Select); coding-DNA position 738, T replaced by C.
Protein change: p.Asn246=; no amino-acid change (asparagine 246 retained).
Molecular consequence: synonymous variant. On other transcripts: 3 prime UTR variant (2).
Genome position (GRCh38, 1-based): chr5:173,232,806, A>G on the plus strand (T>C on the coding strand, the complement: NKX2-5 is on the minus strand). VCF-style: chr5-173232806-A-G. GRCh37 (hg19) VCF-style: chr5-172659809-A-G.
Other names: c.*691T>C (NM_001166175.2); c.*537T>C (NM_001166176.2).
Identifiers: ClinVar variation 3405909 (VCV003405909.2).
Genomic context (GRCh38, chr5:173,232,806, plus strand): 5'-AGGGCTGCAGGCCGCGCCGCCGTAACCCGGATAGGCGGGGTAGGCGTTATAACCGTAGGG[A>G]TTGAGGCCCACGCCGTAGGCAGGCGCGTAGGGCGCCGAGTCCCCTAGGCATGGCTTGCCA-3'
Protein context (NP_004378.1, residues 236-256): PYAPAYGVGL[Asn246=]PYGYNAYPAY